The following is an entry in ClinVar:

ClinVar aggregate classification (germline): Likely pathogenic. Review status: criteria provided, single submitter (1 of 4 stars). 2 submissions from 2 submitters: Likely pathogenic (1). 1 of the submissions does not count toward it. Last evaluated 2025-02-25.

Conditions:
Immunodeficiency 73b with defective neutrophil chemotaxis and lymphopenia. Identifiers: MedGen C5436549, MONDO:0033554, OMIM 618986.
Neutrophil immunodeficiency syndrome. Also called: Immunodeficiency 73A with defective neutrophil chemotaxis and leukocytosis. Identifiers: Orphanet 183707, MedGen C1842398, MONDO:0011988, OMIM 608203.

Submissions (2):

Labcorp Genetics (formerly Invitae), Labcorp
Classification: Likely pathogenic for Neutrophil immunodeficiency syndrome. Last evaluated: 2025-02-25. Review status: criteria provided, single submitter. Criteria: Invitae Variant Classification Sherloc (09022015). Collection method: clinical testing. Allele origin: germline.
Comment: This sequence change replaces proline, which is neutral and non-polar, with histidine, which is basic and polar, at codon 34 of the RAC2 protein (p.Pro34His). This variant is not present in population databases (gnomAD no frequency). This missense change has been observed in individual(s) with clinical features of autosomal dominant RAC2-related conditions (PMID: 30654050, 38194689). It has also been observed to segregate with disease in related individuals. ClinVar contains an entry for this variant (Variation ID: 977224). Invitae Evidence Modeling of protein sequence and biophysical properties (such as structural, functional, and spatial information, amino acid conservation, physicochemical variation, residue mobility, and thermodynamic stability) indicates that this missense variant is expected to disrupt RAC2 protein function with a positive predictive value of 95%. Experimental studies have shown that this missense change affects RAC2 function (PMID: 30654050). In summary, the currently available evidence indicates that the variant is pathogenic, but additional data are needed to prove that conclusively. Therefore, this variant has been classified as Likely Pathogenic.

OMIM
Classification: Pathogenic for IMMUNODEFICIENCY 73B WITH DEFECTIVE NEUTROPHIL CHEMOTAXIS AND LYMPHOPENIA. Last evaluated: 2020-08-25. Review status: no assertion criteria provided. Collection method: literature only. Allele origin: germline. Not counted in ClinVar's aggregate classification.

Literature cited by the submitters: PubMed 30654050 (cited by Labcorp Genetics (formerly Invitae), Labcorp and OMIM); PubMed 38194689 (cited by Labcorp Genetics (formerly Invitae), Labcorp).

NM_002872.5(RAC2):c.101C>A (p.Pro34His)

Gene: RAC2 (Rac family small GTPase 2; minus strand). Cytogenetic location: 22q13.1.
Variant type: single nucleotide variant.
Coding change: c.101C>A on transcript NM_002872.5 (MANE Select); coding-DNA position 101, C replaced by A.
Protein change: p.Pro34His; replaces proline 34 with histidine.
Molecular consequence: missense variant.
Genome position (GRCh38, 1-based): chr22:37,241,593, G>T on the plus strand (C>A on the coding strand, the complement: RAC2 is on the minus strand). VCF-style: chr22-37241593-G-T. GRCh37 (hg19) VCF-style: chr22-37637633-G-T.
Other names: short protein forms P34H.
Identifiers: ClinVar variation 977224 (VCV000977224.3), dbSNP rs1927393826, ClinGen allele CA411443929.